The following is an entry in ClinVar:

NM_001042492.3(NF1):c.2087G>A (p.Trp696Ter)

Gene: NF1 (neurofibromin 1; plus strand). Cytogenetic location: 17q11.2.
Variant type: single nucleotide variant.
Coding change: c.2087G>A on transcript NM_001042492.3 (MANE Select); coding-DNA position 2087, G replaced by A.
Protein change: p.Trp696Ter; replaces tryptophan 696 with a stop codon.
Molecular consequence: nonsense.
Genome position (GRCh38, 1-based): chr17:31,226,520, G>A. VCF-style: chr17-31226520-G-A. GRCh37 (hg19) VCF-style: chr17-29553538-G-A.
Other names: c.2087G>A, p.Trp696Ter (NM_000267.4); short protein forms W696*.
Identifiers: ClinVar variation 1364718 (VCV001364718.10), dbSNP rs2151425754, ClinGen allele CA398982219.

ClinVar aggregate classification (germline): Pathogenic/Likely pathogenic. Review status: criteria provided, multiple submitters, no conflicts (2 of 4 stars). 4 submissions from 4 submitters: Pathogenic (3); Likely pathogenic (1). Last evaluated 2026-01-26.

Conditions:
Neurofibromatosis, type 1 (NF1). Also called: VON RECKLINGHAUSEN DISEASE; Neurofibromatosis, type I; NEUROFIBROMATOSIS, TYPE I, SOMATIC; Peripheral type neurofibromatosis. Identifiers: Orphanet 636, MedGen C0027831, MONDO:0018975, OMIM 162200. Disease mechanism: loss of function.
NF1-related disorder. Also called: NF1-related condition. Identifiers: MedGen CN379171.

Submissions (4):

Medical and Scientific Branch, Hong Kong Genome Institute
Classification: Likely pathogenic for Neurofibromatosis, type 1. Last evaluated: 2026-01-26. Review status: criteria provided, single submitter. Criteria: ACMG Guidelines, 2015. Collection method: clinical testing. Allele origin: maternal. Affected: yes.

PreventionGenetics, part of Exact Sciences
Classification: Pathogenic for NF1-related condition. Last evaluated: 2025-09-26. Review status: criteria provided, single submitter. Criteria: ACMG Guidelines, 2015. Collection method: clinical testing. Allele origin: germline.
Comment: The NF1 c.2087G>A variant is predicted to result in premature protein termination (p.Trp696*). This variant was reported in individuals with neurofibromatosis 1 (Sabbagh et al. 2013. PubMed ID: 23913538; Maruoka et al. 2014. PubMed ID: 25325900). This variant has not been reported in a large population database (gnomAD), indicating this variant is rare, and is classified as pathogenic in ClinVar (Variation ID: 1364718). This variant is expected to result in a loss of NF1 protein function and loss-of-function variants are expected to be pathogenic (Fahsold et al. 2000. PubMed ID: 10712197). This variant is interpreted as pathogenic.

Division of Genetic & Genomic Pathology, Hong Kong Children's Hospital
Classification: Pathogenic for Neurofibromatosis, type 1. Last evaluated: 2025-04-16. Review status: criteria provided, single submitter. Criteria: ACMG Guidelines, 2015. Collection method: clinical testing. Allele origin: germline. Affected: yes.
Comment: The NF1 c.2087G>A p.(Trp696Ter) is a nonsense variant located in exon 18 of 57 exons of the NF1 gene. This variant is predicted to create a premature stop codon and causes loss of normal protein function either by protein truncation or nonsense-mediated mRNA decay. Loss-of-function variants in the NF1 gene are known to be pathogenic (PMID: 10712197, 23913538). This variant is absent in population controls (gnomAD v4.1.0 and v2.1.1). It has been reported in patients with NF1-related diseases (PMID: 23913538, 25325900) and has been deposited as pathogenic in ClinVar database (VCV001364718.7). For these reasons, this variant is classified as pathogenic.

Labcorp Genetics (formerly Invitae), Labcorp
Classification: Pathogenic for Neurofibromatosis, type 1. Last evaluated: 2020-12-27. Review status: criteria provided, single submitter. Criteria: Invitae Variant Classification Sherloc (09022015). Collection method: clinical testing. Allele origin: germline.
Comment: For these reasons, this variant has been classified as Pathogenic. Algorithms developed to predict the effect of sequence changes on RNA splicing suggest that this variant may create or strengthen a splice site, but this prediction has not been confirmed by published transcriptional studies. This variant has been observed in individual(s) with clinical features of neurofibromatosis (PMID: 25325900, 23913538). This variant is not present in population databases (ExAC no frequency). This sequence change creates a premature translational stop signal (p.Trp696*) in the NF1 gene. It is expected to result in an absent or disrupted protein product. Loss-of-function variants in NF1 are known to be pathogenic (PMID: 10712197, 23913538).

Literature cited by the submitters: PubMed 10712197 (cited by Division of Genetic & Genomic Pathology, Hong Kong Children's Hospital and Labcorp Genetics (formerly Invitae), Labcorp); PubMed 23913538 (cited by Division of Genetic & Genomic Pathology, Hong Kong Children's Hospital and Labcorp Genetics (formerly Invitae), Labcorp); PubMed 25325900 (cited by Division of Genetic & Genomic Pathology, Hong Kong Children's Hospital and Labcorp Genetics (formerly Invitae), Labcorp).